The following is an entry in ClinVar:

NM_133510.4(RAD51B):c.653A>G (p.Lys218Arg)

Gene: RAD51B (RAD51 paralog B; plus strand). Cytogenetic location: 14q24.1.
Variant type: single nucleotide variant.
Coding change: c.653A>G on transcript NM_133510.4 (MANE Select); coding-DNA position 653, A replaced by G.
Protein change: p.Lys218Arg; replaces lysine 218 with arginine.
Molecular consequence: missense variant.
Genome position (GRCh38, 1-based): chr14:67,887,101, A>G. VCF-style: chr14-67887101-A-G. GRCh37 (hg19) VCF-style: chr14-68353818-A-G.
Other names: c.653A>G, p.Lys218Arg (NM_001321809.2, NM_001321810.2, NM_001321812.1 and 6 more transcripts); c.539A>G, p.Lys180Arg (NM_001321815.1); c.296A>G, p.Lys99Arg (NM_001321817.2); short protein forms K218R, K99R, K180R.
Identifiers: ClinVar variation 3786434 (VCV003786434.1).

ClinVar aggregate classification (germline): Uncertain significance (1 of 4 stars; one submission).

gnomAD v4.1: 10 of 1,594,982 alleles (0.00063%); highest among the groups gnomAD compares: South Asian, 0.0011%; no homozygotes.

Submission:

Ambry Genetics
Classification: Uncertain significance. Last evaluated: 2025-01-27. Review status: criteria provided, single submitter. Criteria: Ambry Variant Classification Scheme 2023. Collection method: clinical testing. Allele origin: germline.
Comment: The p.K218R variant (also known as c.653A>G), located in coding exon 6 of the RAD51B gene, results from an A to G substitution at nucleotide position 653. The lysine at codon 218 is replaced by arginine, an amino acid with highly similar properties. This amino acid position is conserved. In addition, this alteration is predicted to be tolerated by in silico analysis. Based on the available evidence, the clinical significance of this variant remains unclear.